The following is an entry in ClinVar:

ClinVar aggregate classification (germline): Uncertain significance (1 of 4 stars; one submission).

Submission:

Labcorp Genetics (formerly Invitae), Labcorp
Classification: Uncertain significance. Last evaluated: 2025-09-21. Review status: criteria provided, single submitter. Criteria: Invitae Variant Classification Sherloc (09022015). Collection method: clinical testing. Allele origin: germline.
Comment: This sequence change replaces glutamic acid, which is acidic and polar, with glutamine, which is neutral and polar, at codon 443 of the RAI1 protein (p.Glu443Gln). This variant is not present in population databases (gnomAD no frequency). This variant has not been reported in the literature in individuals affected with RAI1-related conditions. Invitae Evidence Modeling of protein sequence and biophysical properties (such as structural, functional, and spatial information, amino acid conservation, physicochemical variation, residue mobility, and thermodynamic stability) indicates that this missense variant is expected to disrupt RAI1 protein function with a positive predictive value of 80%. In summary, the available evidence is currently insufficient to determine the role of this variant in disease. Therefore, it has been classified as a Variant of Uncertain Significance.

NM_030665.4(RAI1):c.1327G>C (p.Glu443Gln)

Gene: RAI1 (retinoic acid induced 1; plus strand). Cytogenetic location: 17p11.2.
Variant type: single nucleotide variant.
Coding change: c.1327G>C on transcript NM_030665.4 (MANE Select); coding-DNA position 1327, G replaced by C.
Protein change: p.Glu443Gln; replaces glutamic acid 443 with glutamine.
Molecular consequence: missense variant.
Genome position (GRCh38, 1-based): chr17:17,794,275, G>C. VCF-style: chr17-17794275-G-C. GRCh37 (hg19) VCF-style: chr17-17697589-G-C.
Other names: short protein forms E443Q.
Identifiers: ClinVar variation 4746203 (VCV004746203.1).